The following is an entry in ClinVar:

NM_005120.3(MED12):c.6360G>A (p.Gln2120=)

Gene: MED12 (mediator complex subunit 12; plus strand). Cytogenetic location: Xq13.1.
Variant type: single nucleotide variant.
Coding change: c.6360G>A on transcript NM_005120.3 (MANE Select); coding-DNA position 6360, G replaced by A.
Protein change: p.Gln2120=; no amino-acid change (glutamine 2120 retained).
Molecular consequence: synonymous variant.
Genome position (GRCh38, 1-based): chrX:71,141,322, G>A. VCF-style: chrX-71141322-G-A. GRCh37 (hg19) VCF-style: chrX-70361172-G-A.
Identifiers: ClinVar variation 1090662 (VCV001090662.13), dbSNP rs779631682, ClinGen allele CA516728566.

ClinVar aggregate classification (germline): Likely benign. Review status: criteria provided, multiple submitters, no conflicts (2 of 4 stars). 2 submissions from 2 submitters: Likely benign (2). Last evaluated 2026-01-01.

Conditions:
FG syndrome (FGS). Identifiers: MedGen C0220769, MONDO:0002010.

Submissions (2):

CeGaT Center for Human Genetics Tuebingen
Classification: Likely benign. Last evaluated: 2026-01-01. Review status: criteria provided, single submitter. Criteria: CeGaT Center For Human Genetics Tuebingen Variant Classification Criteria Version 2. Collection method: clinical testing. Allele origin: germline. Affected: yes. Observed: 1 variant allele.
Comment: MED12: PM2:Supporting, BP4, BP7

Labcorp Genetics (formerly Invitae), Labcorp
Classification: Likely benign for FG syndrome. Last evaluated: 2019-05-03. Review status: criteria provided, single submitter. Criteria: Invitae Variant Classification Sherloc (09022015). Collection method: clinical testing. Allele origin: germline.